The following is an entry in ClinVar:

NM_000329.3(RPE65):c.1078G>T (p.Ala360Ser)

Gene: RPE65 (retinoid isomerohydrolase RPE65; minus strand). Cytogenetic location: 1p31.3.
Variant type: single nucleotide variant.
Coding change: c.1078G>T on transcript NM_000329.3 (MANE Select); coding-DNA position 1078, G replaced by T.
Protein change: p.Ala360Ser; replaces alanine 360 with serine.
Molecular consequence: missense variant.
Genome position (GRCh38, 1-based): chr1:68,438,237, C>A on the plus strand (G>T on the coding strand, the complement: RPE65 is on the minus strand). VCF-style: chr1-68438237-C-A. GRCh37 (hg19) VCF-style: chr1-68903920-C-A.
Other names: c.970G>T, p.Ala324Ser (NM_001406853.1); c.802G>T, p.Ala268Ser (NM_001406856.1, NM_001406857.1); c.1078G>T, p.Ala360Ser (NM_001406859.1); short protein forms A268S, A324S, A360S.
Identifiers: ClinVar variation 4881756 (VCV004881756.2).

ClinVar aggregate classification (germline): Uncertain significance (1 of 4 stars; one submission).

gnomAD v4.1: 5 of 1,613,764 alleles (0.00031%); highest among the groups gnomAD compares: African/African-American, 0.0013%; no homozygotes.

Submission:

Dasa
Classification: Uncertain significance. Last evaluated: 2025-09-09. Review status: criteria provided, single submitter. Criteria: DASA Assertion Criteria. Collection method: clinical testing. Allele origin: germline.
Comment: NM_000329.3(RPE65):c.1078G>T (p.Ala360Ser) is a missense variant that results in the substitution of alanine with serine. The affected residue or protein region has prior evidence supporting clinical relevance. This variant is rare in population databases. The currently available literature and clinical evidence are not sufficient to establish a definitive association between this variant and the reported condition. Therefore, this variant is classified as a variant of uncertain significance.